The following is an entry in ClinVar:

ClinVar aggregate classification (germline): Uncertain significance. Review status: criteria provided, multiple submitters, no conflicts (2 of 4 stars). 4 submissions from 4 submitters: Uncertain significance (4). Last evaluated 2025-11-04.

Conditions:
Sessile serrated polyposis cancer syndrome (SSPCS). Identifiers: Orphanet 157798, MedGen C4310714, MONDO:0014919, OMIM 617108.

Allele frequency attached by ClinVar (database versions not stated): ExAC 0.00002; TOPMed 0.00002; gnomAD 0.00003; ESP Exome Variant Server 0.00008.
gnomAD v4.1: 46 of 1,613,770 alleles (0.0029%); highest among the groups gnomAD compares: African/African-American, 0.0053%; no homozygotes.

Submissions (4):

Labcorp Genetics (formerly Invitae), Labcorp
Classification: Uncertain significance. Last evaluated: 2025-11-04. Review status: criteria provided, single submitter. Criteria: Invitae Variant Classification Sherloc (09022015). Collection method: clinical testing. Allele origin: germline.
Comment: This sequence change replaces arginine, which is basic and polar, with glutamine, which is neutral and polar, at codon 307 of the RNF43 protein (p.Arg307Gln). This variant is present in population databases (rs373809449, gnomAD 0.01%). This variant has not been reported in the literature in individuals affected with RNF43-related conditions. ClinVar contains an entry for this variant (Variation ID: 2169672). An algorithm developed to predict the effect of missense changes on protein structure and function outputs the following: PolyPhen-2: "Benign". The glutamine amino acid residue is found in multiple mammalian species, which suggests that this missense change does not adversely affect protein function. In summary, the available evidence is currently insufficient to determine the role of this variant in disease. Therefore, it has been classified as a Variant of Uncertain Significance.

Ambry Genetics
Classification: Uncertain significance. Last evaluated: 2024-10-15. Review status: criteria provided, single submitter. Criteria: Ambry Variant Classification Scheme 2023. Collection method: clinical testing. Allele origin: germline.
Comment: The p.R307Q variant (also known as c.920G>A), located in coding exon 7 of the RNF43 gene, results from a G to A substitution at nucleotide position 920. The arginine at codon 307 is replaced by glutamine, an amino acid with highly similar properties. This amino acid position is conserved. In addition, this alteration is predicted to be tolerated by in silico analysis. Based on the available evidence, the clinical significance of this variant remains unclear.

Baylor Genetics
Classification: Uncertain significance for Sessile serrated polyposis cancer syndrome. Last evaluated: 2024-01-22. Review status: criteria provided, single submitter. Criteria: ACMG Guidelines, 2015. Collection method: clinical testing. Allele origin: unknown.

GeneDx
Classification: Uncertain significance. Last evaluated: 2022-01-21. Review status: criteria provided, single submitter. Criteria: GeneDx Variant Classification Process June 2021. Collection method: clinical testing. Allele origin: germline. Affected: yes.
Comment: In silico analysis supports that this missense variant does not alter protein structure/function; Has not been previously published as pathogenic or benign to our knowledge; Variants in candidate genes are classified as variants of uncertain significance in accordance with ACMG guidelines (Richards 2015)

NM_017763.6(RNF43):c.920G>A (p.Arg307Gln)

Gene: RNF43 (ring finger protein 43; minus strand). Cytogenetic location: 17q22.
Variant type: single nucleotide variant.
Coding change: c.920G>A on transcript NM_017763.6 (MANE Select); coding-DNA position 920, G replaced by A.
Protein change: p.Arg307Gln; replaces arginine 307 with glutamine.
Molecular consequence: missense variant.
Genome position (GRCh38, 1-based): chr17:58,360,181, C>T on the plus strand (G>A on the coding strand, the complement: RNF43 is on the minus strand). VCF-style: chr17-58360181-C-T. GRCh37 (hg19) VCF-style: chr17-56437542-C-T.
Other names: c.920G>A, p.Arg307Gln (NM_001305544.3); c.539G>A, p.Arg180Gln (NM_001305545.2); short protein forms R180Q, R307Q.
Identifiers: ClinVar variation 2169672 (VCV002169672.8), dbSNP rs373809449, ClinGen allele CA8673266.
Genomic context (GRCh38, chr17:58,360,181, plus strand): 5'-AGAGGGGAGTCCTTGGCCCACCTCCTACCTGTGATGTTGAACATGCAGAGGGGGCAAGTC[C>T]GATGCTGATGTAACCAGGGGTCCACACAGTTACGATGGAACTCATGGAGGCAGGAAATGA-3'
Protein context (NP_060233.3, residues 297-317): NCVDPWLHQH[Arg307Gln]TCPLCMFNIT